The following is an entry in ClinVar:

NM_006031.6(PCNT):c.721-9C>T

Gene: PCNT (pericentrin; plus strand). Cytogenetic location: 21q22.3.
Variant type: single nucleotide variant.
Coding change: c.721-9C>T on transcript NM_006031.6 (MANE Select); 9 bases into the intron before coding-DNA position 721, C replaced by T.
Molecular consequence: intron variant.
Genome position (GRCh38, 1-based): chr21:46,346,734, C>T. VCF-style: chr21-46346734-C-T. GRCh37 (hg19) VCF-style: chr21-47766648-C-T.
Other names: c.721-9C>T (NM_006031.5); c.367-9C>T (NM_001315529.2).
Identifiers: ClinVar variation 2976033 (VCV002976033.5), dbSNP rs202059140, ClinGen allele CA10078393.

ClinVar aggregate classification (germline): Likely benign. Review status: criteria provided, single submitter (1 of 4 stars). 2 submissions from 2 submitters: Likely benign (1). 1 of the submissions does not count toward it. Last evaluated 2025-01-27.

Conditions:
PCNT-related disorder. Also called: PCNT-related condition.

Allele frequency attached by ClinVar (database versions not stated): ExAC 0.00012; TOPMed 0.00016; gnomAD 0.00017; ESP Exome Variant Server 0.00031; 1000 Genomes Project 0.00060; 1000 Genomes Project 30x 0.00078.
gnomAD v4.1: 50 of 1,593,414 alleles (0.0031%); highest among the groups gnomAD compares: African/African-American, 0.063%; no homozygotes.

Submissions (2):

Labcorp Genetics (formerly Invitae), Labcorp
Classification: Likely benign. Last evaluated: 2025-01-27. Review status: criteria provided, single submitter. Criteria: Invitae Variant Classification Sherloc (09022015). Collection method: clinical testing. Allele origin: germline.

PreventionGenetics, part of Exact Sciences
Classification: Likely benign for PCNT-related condition. Last evaluated: 2021-12-10. Review status: no assertion criteria provided. Collection method: clinical testing. Allele origin: germline. Not counted in ClinVar's aggregate classification.
Comment: This variant is classified as likely benign based on ACMG/AMP sequence variant interpretation guidelines (Richards et al. 2015 PMID: 25741868, with internal and published modifications).